The following is an entry in ClinVar:

ClinVar aggregate classification (germline): Uncertain significance (1 of 4 stars; one submission).

Submission:

GeneDx
Classification: Uncertain significance. Last evaluated: 2026-07-05. Review status: criteria provided, single submitter. Criteria: GeneDx Variant Classification Process June 2021. Collection method: clinical testing. Allele origin: germline.
Comment: Not observed at significant frequency in large population cohorts (gnomAD); In silico analysis supports that this missense variant has a deleterious effect on protein structure/function; Has not been previously published as pathogenic or benign to our knowledge

NM_001003694.2(BRPF1):c.626T>C (p.Leu209Pro)

Gene: BRPF1 (bromodomain and PHD finger containing 1; plus strand). Cytogenetic location: 3p25.3.
Variant type: single nucleotide variant.
Coding change: c.626T>C on transcript NM_001003694.2 (MANE Select); coding-DNA position 626, T replaced by C.
Protein change: p.Leu209Pro; replaces leucine 209 with proline.
Molecular consequence: missense variant. On other transcripts: non-coding transcript variant (1).
Genome position (GRCh38, 1-based): chr3:9,739,025, T>C. VCF-style: chr3-9739025-T-C. GRCh37 (hg19) VCF-style: chr3-9780709-T-C.
Other names: c.626T>C, p.Leu209Pro (NM_001319049.2, NM_001319050.2, NM_001410704.1 and 1 more transcripts); short protein forms L209P.
Identifiers: ClinVar variation 3774155 (VCV003774155.2).
Genomic context (GRCh38, chr3:9,739,025, plus strand): 5'-CCATGTGATGCTGAGTTCCCTGTTTGTACCGTAGGTACATCGAGAAGTCTGCAGAGGAGC[T>C]GGACGAGGAAGTAGAGTATGACATGGACGAGGAGGACTACATCTGGCTGGATATCATGAA-3'
Protein context (NP_001003694.1, residues 199-219): YRYIEKSAEE[Leu209Pro]DEEVEYDMDE